The following is an entry in ClinVar:

NM_001145418.2(TTC28):c.549T>C (p.Tyr183=)

Gene: TTC28 (tetratricopeptide repeat domain 28; minus strand). Cytogenetic location: 22q12.1.
Variant type: single nucleotide variant.
Coding change: c.549T>C on transcript NM_001145418.2 (MANE Select); coding-DNA position 549, T replaced by C.
Protein change: p.Tyr183=; no amino-acid change (tyrosine 183 retained).
Molecular consequence: synonymous variant.
Genome position (GRCh38, 1-based): chr22:28,297,833, A>G on the plus strand (T>C on the coding strand, the complement: TTC28 is on the minus strand). VCF-style: chr22-28297833-A-G. GRCh37 (hg19) VCF-style: chr22-28693821-A-G.
Other names: c.549T>C, p.Tyr183= (NM_001393403.1); c.195T>C, p.Tyr65= (NM_001393404.1, NM_001393405.1).
Identifiers: ClinVar variation 2653038 (VCV002653038.24), dbSNP rs759828195, ClinGen allele CA323226594.

ClinVar aggregate classification (germline): Likely benign (1 of 4 stars; one submission).

Allele frequency attached by ClinVar (database versions not stated): gnomAD 0.00011; TOPMed 0.00011.
gnomAD v4.1: 458 of 1,551,374 alleles (0.03%); highest among the groups gnomAD compares: Non-Finnish European, 0.039%; no homozygotes.

Submission:

CeGaT Center for Human Genetics Tuebingen
Classification: Likely benign. Last evaluated: 2023-04-01. Review status: criteria provided, single submitter. Criteria: CeGaT Center For Human Genetics Tuebingen Variant Classification Criteria Version 2. Collection method: clinical testing. Allele origin: germline. Affected: yes. Observed: 1 variant allele.
Comment: TTC28: BP4, BP7